The following is an entry in ClinVar:

NM_002485.5(NBN):c.2041C>G (p.Gln681Glu)

Gene: NBN (nibrin; minus strand). Cytogenetic location: 8q21.3.
Variant type: single nucleotide variant.
Coding change: c.2041C>G on transcript NM_002485.5 (MANE Select); coding-DNA position 2041, C replaced by G.
Protein change: p.Gln681Glu; replaces glutamine 681 with glutamic acid.
Molecular consequence: missense variant.
Genome position (GRCh38, 1-based): chr8:89,946,169, G>C on the plus strand (C>G on the coding strand, the complement: NBN is on the minus strand). VCF-style: chr8-89946169-G-C. GRCh37 (hg19) VCF-style: chr8-90958397-G-C.
Other names: c.1795C>G, p.Gln599Glu (NM_001024688.3); short protein forms Q681E, Q599E.
Identifiers: ClinVar variation 959941 (VCV000959941.9), dbSNP rs1554556485, ClinGen allele CA371676381.

ClinVar aggregate classification (germline): Uncertain significance (1 of 4 stars; one submission).

Conditions:
Microcephaly, normal intelligence and immunodeficiency (NBS). Also called: Immunodeficiency, microcephaly with normal intelligence; Nijmegen breakage syndrome; Ataxia telangiectasia variant V1; SEEMANOVA SYNDROME II; BERLIN BREAKAGE SYNDROME; IMMUNODEFICIENCY, MICROCEPHALY, AND CHROMOSOMAL INSTABILITY. Identifiers: Orphanet 647, MedGen C0398791, MONDO:0009623, OMIM 251260.

Submission:

Labcorp Genetics (formerly Invitae), Labcorp
Classification: Uncertain significance for Microcephaly, normal intelligence and immunodeficiency. Last evaluated: 2019-11-04. Review status: criteria provided, single submitter. Criteria: Invitae Variant Classification Sherloc (09022015). Collection method: clinical testing. Allele origin: germline.
Comment: Algorithms developed to predict the effect of missense changes on protein structure and function output the following: SIFT: "Tolerated"; PolyPhen-2: "Benign"; Align-GVGD: "Class C0". The glutamic acid amino acid residue is found in multiple mammalian species, suggesting that this missense change does not adversely affect protein function. These predictions have not been confirmed by published functional studies and their clinical significance is uncertain. In summary, the available evidence is currently insufficient to determine the role of this variant in disease. Therefore, it has been classified as a Variant of Uncertain Significance. This variant has not been reported in the literature in individuals with NBN-related conditions. This sequence change replaces glutamine with glutamic acid at codon 681 of the NBN protein (p.Gln681Glu). The glutamine residue is weakly conserved and there is a small physicochemical difference between glutamine and glutamic acid. This variant is not present in population databases (ExAC no frequency).